The following is an entry in ClinVar:

ClinVar aggregate classification (germline): Pathogenic (1 of 4 stars; one submission).

Conditions:
Gorlin syndrome. Also called: Nevoid Basal Cell Carcinoma Syndrome; Basal cell nevus syndrome. Identifiers: Orphanet 377, MedGen C0004779, MONDO:0007187.
Medulloblastoma (MDB). Also called: Medulloblastoma, somatic; MEDULLOBLASTOMA PREDISPOSITION SYNDROME. Identifiers: Orphanet 616, MedGen C0025149, MeSH D008527, MONDO:0007959, OMIM 155255, HP:0002885.

Submission:

Labcorp Genetics (formerly Invitae), Labcorp
Classification: Pathogenic for Gorlin syndrome; Medulloblastoma. Last evaluated: 2021-05-04. Review status: criteria provided, single submitter. Criteria: Invitae Variant Classification Sherloc (09022015). Collection method: clinical testing. Allele origin: germline.
Comment: A gross deletion of the genomic region encompassing the full coding sequence of the SUFU gene has been identified. Loss-of-function variants in SUFU are known to be pathogenic (PMID: 22508808, 25403219). The boundaries of this event are unknown as they extend beyond the assayed region for this gene and therefore may encompass additional genes. A contiguous deletion encompassing the entire SUFU gene ‚Äãhas been observed in individual(s) with clinical features of basal cell nevus syndrome (PMID: 12068298, 31639285) For these reasons, this variant has been classified as Pathogenic.

Literature cited by the submitters: PubMed 22508808; PubMed 25403219; PubMed 12068298; PubMed 31639285.

NC_000010.10:g.(?_104262628)_(104595248_?)del

Genes: ARL3 (ARF like GTPase 3; minus strand), CYP17A1 (cytochrome P450 family 17 subfamily A member 1; minus strand), SFXN2 (sideroflexin 2; plus strand), SUFU (SUFU negative regulator of hedgehog signaling; plus strand), TRIM8 (tripartite motif containing 8; plus strand) and 1 more. Cytogenetic location: 10q24.32.
Variant type: Deletion.
Identifiers: ClinVar variation 1460216 (VCV001460216.1).